The following is an entry in ClinVar:

ClinVar aggregate classification (germline): Uncertain significance. Review status: criteria provided, multiple submitters, no conflicts (2 of 4 stars). 2 submissions from 2 submitters: Uncertain significance (2). Last evaluated 2025-07-05.

Conditions:
DICER1-related tumor predisposition. Also called: DICER1 syndrome; DICER1-related pleuropulmonary blastoma cancer predisposition syndrome. Identifiers: Orphanet 284343, MedGen C3839822, MONDO:0100216.
Hereditary cancer-predisposing syndrome. Also called: Tumor predisposition; Neoplastic Syndromes, Hereditary; Hereditary Cancer Syndrome; Hereditary neoplastic syndrome. Identifiers: Orphanet 140162, MedGen C0027672, MeSH D009386, MONDO:0015356.

Allele frequency attached by ClinVar (database versions not stated): gnomAD exomes below 0.00001.
gnomAD v4.1: 1 of 1,614,220 alleles (0.000062%); highest among the groups gnomAD compares: Non-Finnish European, 0.000085%; no homozygotes.

Submissions (2):

Ambry Genetics
Classification: Uncertain significance for Hereditary cancer-predisposing syndrome. Last evaluated: 2025-07-05. Review status: criteria provided, single submitter. Criteria: Ambry Variant Classification Scheme 2023. Collection method: clinical testing. Allele origin: germline.
Comment: The p.K973E variant (also known as c.2917A>G), located in coding exon 17 of the DICER1 gene, results from an A to G substitution at nucleotide position 2917. The lysine at codon 973 is replaced by glutamic acid, an amino acid with similar properties. This amino acid position is conserved. In addition, the in silico prediction for this alteration is inconclusive. Based on the available evidence, the clinical significance of this variant remains unclear.

Labcorp Genetics (formerly Invitae), Labcorp
Classification: Uncertain significance for DICER1-related tumor predisposition. Last evaluated: 2020-02-08. Review status: criteria provided, single submitter. Criteria: Invitae Variant Classification Sherloc (09022015). Collection method: clinical testing. Allele origin: germline.
Comment: This sequence change replaces lysine with glutamic acid at codon 973 of the DICER1 protein (p.Lys973Glu). The lysine residue is highly conserved and there is a small physicochemical difference between lysine and glutamic acid. This variant is not present in population databases (ExAC no frequency). This variant has not been reported in the literature in individuals with DICER1-related conditions. Algorithms developed to predict the effect of missense changes on protein structure and function are either unavailable or do not agree on the potential impact of this missense change (SIFT: "Tolerated"; PolyPhen-2: "Probably Damaging"; Align-GVGD: "Class C0"). In summary, the available evidence is currently insufficient to determine the role of this variant in disease. Therefore, it has been classified as a Variant of Uncertain Significance.

NM_177438.3(DICER1):c.2917A>G (p.Lys973Glu)

Gene: DICER1 (dicer 1, ribonuclease III; minus strand). Cytogenetic location: 14q32.13.
Variant type: single nucleotide variant.
Coding change: c.2917A>G on transcript NM_177438.3 (MANE Select); coding-DNA position 2917, A replaced by G.
Protein change: p.Lys973Glu; replaces lysine 973 with glutamic acid.
Molecular consequence: missense variant.
Genome position (GRCh38, 1-based): chr14:95,106,111, T>C on the plus strand (A>G on the coding strand, the complement: DICER1 is on the minus strand). VCF-style: chr14-95106111-T-C. GRCh37 (hg19) VCF-style: chr14-95572448-T-C.
Other names: c.2917A>G, p.Lys973Glu (NM_001195573.1, NM_001271282.3, NM_001291628.2 and 1 more transcripts); c.2917A>G (NM_177438.2); short protein forms K973E.
Identifiers: ClinVar variation 1060681 (VCV001060681.11), dbSNP rs2139999400, ClinGen allele CA390878957.